The following is an entry in ClinVar:

ClinVar aggregate classification (germline): Uncertain significance (1 of 4 stars; one submission).

Conditions:
Chédiak-Higashi syndrome (CHS). Also called: Chediak-Higashi Syndrome. Identifiers: Orphanet 167, MedGen C0007965, MONDO:0008963, OMIM 214500.

Submission:

Labcorp Genetics (formerly Invitae), Labcorp
Classification: Uncertain significance for Chédiak-Higashi syndrome. Last evaluated: 2022-05-15. Review status: criteria provided, single submitter. Criteria: Invitae Variant Classification Sherloc (09022015). Collection method: clinical testing. Allele origin: germline.
Comment: In summary, the available evidence is currently insufficient to determine the role of this variant in disease. Therefore, it has been classified as a Variant of Uncertain Significance. This variant has not been reported in the literature in individuals affected with LYST-related conditions. Algorithms developed to predict the effect of missense changes on protein structure and function are either unavailable or do not agree on the potential impact of this missense change (SIFT: "Tolerated"; PolyPhen-2: "Probably Damaging"; Align-GVGD: "Class C0"). This variant is not present in population databases (gnomAD no frequency). This sequence change replaces glutamine, which is neutral and polar, with glutamic acid, which is acidic and polar, at codon 3396 of the LYST protein (p.Gln3396Glu).

NM_000081.4(LYST):c.10186C>G (p.Gln3396Glu)

Gene: LYST (lysosomal trafficking regulator; minus strand). Cytogenetic location: 1q42.3.
Variant type: single nucleotide variant.
Coding change: c.10186C>G on transcript NM_000081.4 (MANE Select); coding-DNA position 10186, C replaced by G.
Protein change: p.Gln3396Glu; replaces glutamine 3396 with glutamic acid.
Molecular consequence: missense variant.
Genome position (GRCh38, 1-based): chr1:235,702,935, G>C on the plus strand (C>G on the coding strand, the complement: LYST is on the minus strand). VCF-style: chr1-235702935-G-C. GRCh37 (hg19) VCF-style: chr1-235866235-G-C.
Other names: c.10186C>G, p.Gln3396Glu (NM_001301365.1); short protein forms Q3396E.
Identifiers: ClinVar variation 1978407 (VCV001978407.4), dbSNP rs2527324265, ClinGen allele CA344932336.